The following is an entry in ClinVar:

ClinVar aggregate classification (germline): Uncertain significance (1 of 4 stars; one submission).

Submission:

GeneDx
Classification: Uncertain significance. Last evaluated: 2024-04-01. Review status: criteria provided, single submitter. Criteria: GeneDx Variant Classification Process June 2021. Collection method: clinical testing. Allele origin: germline. Affected: yes.
Comment: Not observed at significant frequency in large population cohorts (gnomAD); In silico analysis supports that this missense variant has a deleterious effect on protein structure/function; Has not been previously published as pathogenic or benign to our knowledge

NM_182961.4(SYNE1):c.20375C>T (p.Thr6792Ile)

Gene: SYNE1 (spectrin repeat containing nuclear envelope protein 1; minus strand). Cytogenetic location: 6q25.2.
Variant type: single nucleotide variant.
Coding change: c.20375C>T on transcript NM_182961.4 (MANE Select); coding-DNA position 20375, C replaced by T.
Protein change: p.Thr6792Ile; replaces threonine 6792 with isoleucine.
Molecular consequence: missense variant.
Genome position (GRCh38, 1-based): chr6:152,236,128, G>A on the plus strand (C>T on the coding strand, the complement: SYNE1 is on the minus strand). VCF-style: chr6-152236128-G-A. GRCh37 (hg19) VCF-style: chr6-152557263-G-A.
Other names: c.20162C>T, p.Thr6721Ile (NM_033071.5); short protein forms T6721I, T6792I.
Identifiers: ClinVar variation 3371310 (VCV003371310.1).
Genomic context (GRCh38, chr6:152,236,128, plus strand): 5'-GCACTTATCTAAAAATATACAAAACAGTCATTGTATTACCTGGTCCAGTGTTTCAATATT[G>A]TTTCCAGTCTGTGAAGTTCCTTAGACATTTTATTGGTGTTACTTAGCCAGCACTCTCCAA-3'
Protein context (NP_892006.3, residues 6782-6802): KMSKELHRLE[Thr6792Ile]ILKHWTRYQS